The following is an entry in ClinVar:

ClinVar aggregate classification (germline): Benign. Review status: criteria provided, multiple submitters, no conflicts (2 of 4 stars). 2 submissions from 2 submitters: Benign (2). Last evaluated 2018-01-13.

Conditions:
Growth delay due to insulin-like growth factor I resistance. Also called: Somatomedin end-organ insensitivity to; Somatomedin-c resistance to; IGF-1 resistance; IGF-I RESISTANCE; Insulin-Like Growth Factor I Resistance. Identifiers: Orphanet 73273, MedGen C1849157, MONDO:0010038, OMIM 270450.

Allele frequency attached by ClinVar (database versions not stated): gnomAD exomes 0.09215; gnomAD 0.14873 and 0.15353; 1000 Genomes Project 0.15755; TOPMed 0.16219; 1000 Genomes Project 30x 0.16568.
gnomAD v4.1: 30,291 of 233,470 alleles (13%); highest among the groups gnomAD compares: African/African-American, 31%; 3,026 homozygotes.

Submissions (2):

Illumina Laboratory Services, Illumina
Classification: Benign for Growth delay due to insulin-like growth factor I resistance. Last evaluated: 2018-01-13. Review status: criteria provided, single submitter. Criteria: ICSL Variant Classification Criteria 13 December 2019. Collection method: clinical testing. Allele origin: germline.
Comment: This variant was observed in the ICSL laboratory as part of a predisposition screen in an ostensibly healthy population. It had not been previously curated by ICSL or reported in the Human Gene Mutation Database (HGMD: prior to June 1st, 2018), and was therefore a candidate for classification through an automated scoring system. Utilizing variant allele frequency, disease prevalence and penetrance estimates, and inheritance mode, an automated score was calculated to assess if this variant is too frequent to cause the disease. Based on the score and internal cut-off values, a variant classified as benign is not then subjected to further curation. The score for this variant resulted in a classification of benign for this disease.

Breakthrough Genomics
Classification: Benign. Review status: criteria provided, single submitter. Criteria: ACMG Guidelines, 2015. Collection method: not provided. Allele origin: germline. Inheritance: Autosomal dominant inheritance. Affected: yes.

NM_000875.5(IGF1R):c.*3165T>C

Gene: IGF1R (insulin like growth factor 1 receptor; plus strand). Cytogenetic location: 15q26.3.
Variant type: single nucleotide variant.
Coding change: c.*3165T>C on transcript NM_000875.5 (MANE Select); 3165 bases downstream of the stop codon, T replaced by C.
Molecular consequence: 3 prime UTR variant.
Genome position (GRCh38, 1-based): chr15:98,960,607, T>C. VCF-style: chr15-98960607-T-C. GRCh37 (hg19) VCF-style: chr15-99503836-T-C.
Other names: c.*3165T>C (NM_001291858.2).
Identifiers: ClinVar variation 317547 (VCV000317547.6), dbSNP rs9282715, ClinGen allele CA10642746.
Genomic context (GRCh38, chr15:98,960,607, plus strand): 5'-GAATCCCCAGGGTAAAGGCGTGGGGCATTGGGTTTGCTCCCCTTGCTGCTGCTCCATCCC[T>C]GCAGGAGGCTCGCGCTGAGGCAGGACCGTGCGGCCATGGCTGCTGCATTCATTGAGCACA-3'